The following is an entry in ClinVar:

NM_182961.4(SYNE1):c.20916G>T (p.Gln6972His)

Gene: SYNE1 (spectrin repeat containing nuclear envelope protein 1; minus strand). Cytogenetic location: 6q25.2.
Variant type: single nucleotide variant.
Coding change: c.20916G>T on transcript NM_182961.4 (MANE Select); coding-DNA position 20916, G replaced by T.
Protein change: p.Gln6972His; replaces glutamine 6972 with histidine.
Molecular consequence: missense variant.
Genome position (GRCh38, 1-based): chr6:152,231,514, C>A on the plus strand (G>T on the coding strand, the complement: SYNE1 is on the minus strand). VCF-style: chr6-152231514-C-A. GRCh37 (hg19) VCF-style: chr6-152552649-C-A.
Other names: c.20703G>T, p.Gln6901His (NM_033071.5); short protein forms Q6901H, Q6972H.
Identifiers: ClinVar variation 4686976 (VCV004686976.1).

ClinVar aggregate classification (germline): Uncertain significance (1 of 4 stars; one submission).

gnomAD v4.1: 12 of 1,613,976 alleles (0.00074%); highest among the groups gnomAD compares: African/African-American, 0.015%; no homozygotes.

Submission:

GeneDx
Classification: Uncertain significance. Last evaluated: 2025-07-25. Review status: criteria provided, single submitter. Criteria: GeneDx Variant Classification Process June 2021. Collection method: clinical testing. Allele origin: germline. Affected: yes.
Comment: Not observed at significant frequency in large population cohorts (gnomAD); In silico analysis supports that this missense variant has a deleterious effect on protein structure/function; Has not been previously published as pathogenic or benign to our knowledge